The following is an entry in ClinVar:

ClinVar aggregate classification (germline): Pathogenic/Likely pathogenic. Review status: criteria provided, multiple submitters, no conflicts (2 of 4 stars). 6 submissions from 6 submitters: Pathogenic (3); Likely pathogenic (2). 1 of the submissions does not count toward it. Last evaluated 2025-12-11.

Conditions:
Perrault syndrome. Also called: Gonadal dysgenesis with auditory dysfunction, autosomal recessive inheritance. Identifiers: Orphanet 2855, MedGen C0685838, MONDO:0017312.
Bifunctional peroxisomal enzyme deficiency (DBIF). Also called: PBFE DEFICIENCY; DBP DEFICIENCY; D-bifunctional protein deficiency. Identifiers: Orphanet 300, MedGen C0342870, MONDO:0009855, OMIM 261515. Disease mechanism: loss of function.
Perrault syndrome 1 (PRLTS1). Also called: GONADAL DYSGENESIS, XX TYPE, WITH DEAFNESS; OVARIAN DYSGENESIS WITH SENSORINEURAL DEAFNESS. Identifiers: Orphanet 2855, Orphanet 642945, MedGen C4551721, MONDO:0009300, OMIM 233400.

Allele frequency attached by ClinVar (database versions not stated): ExAC 0.00001; gnomAD exomes 0.00001 and 0.00002; TOPMed 0.00001.
gnomAD v4.1: 29 of 1,605,378 alleles (0.0018%); highest among the groups gnomAD compares: Non-Finnish European, 0.0023%; no homozygotes.

Submissions (6):

Myriad Genetics, Inc.
Classification: Likely pathogenic for Bifunctional peroxisomal enzyme deficiency. Last evaluated: 2025-12-11. Review status: criteria provided, single submitter. Criteria: Myriad Autosomal Dominant, Autosomal Recessive and X-Linked Classification Criteria (2023). Collection method: clinical testing. Allele origin: unknown.
Comment: NM_000414.3(HSD17B4):c.101C>T(A34V) is a missense variant classified as likely pathogenic in the context of HSD17B4-related disorders. A34V has been observed in cases with relevant disease (PMID: 34719423, 37486637, 16385454, 23181892). Relevant functional assessments of this variant are not available in the literature. A34V has been observed in referenced population frequency databases. In summary, NM_000414.3(HSD17B4):c.101C>T(A34V) is a missense variant that has been observed more frequently in cases with the relevant disease than in healthy populations. Please note: this variant was assessed in the context of healthy population screening.

Labcorp Genetics (formerly Invitae), Labcorp
Classification: Pathogenic for Perrault syndrome; Bifunctional peroxisomal enzyme deficiency. Last evaluated: 2025-11-14. Review status: criteria provided, single submitter. Criteria: Invitae Variant Classification Sherloc (09022015). Collection method: clinical testing. Allele origin: germline.
Comment: This sequence change replaces alanine, which is neutral and non-polar, with valine, which is neutral and non-polar, at codon 34 of the HSD17B4 protein (p.Ala34Val). This variant is present in population databases (rs587777442, gnomAD 0.006%). This missense change has been observed in individual(s) with D-bifunctional protein deficiency (PMID: 16385454, 23181892, 34719423). In at least one individual the data is consistent with being in trans (on the opposite chromosome) from a pathogenic variant. It has also been observed to segregate with disease in related individuals. ClinVar contains an entry for this variant (Variation ID: 137616). Invitae Evidence Modeling of protein sequence and biophysical properties (such as structural, functional, and spatial information, amino acid conservation, physicochemical variation, residue mobility, and thermodynamic stability) has been performed for this missense variant. However, the output from this modeling did not meet the statistical confidence thresholds required to predict the impact of this variant on HSD17B4 protein function. For these reasons, this variant has been classified as Pathogenic.

Natera, Inc.
Classification: Likely pathogenic for Bifunctional peroxisomal enzyme deficiency. Last evaluated: 2025-07-02. Review status: criteria provided, single submitter. Criteria: Natera Variant Classification Schema (03/2026). Collection method: clinical testing. Allele origin: germline.
Comment: The c.101C>T variant in HSD17B4 is a missense variant predicted to cause substitution of alanine to valine at amino acid 34. This variant is rare in the general population with a frequency below the threshold expected for the associated phenotype(s). This variant has been observed in one or more individuals affected with the associated recessive disease, as either homozygous or compound heterozygous with a second variant (PMID: 23181892, 34719423, 37486637). Additionally, this variant has been observed to segregate in affected family members (PMID: 23181892). Computational prediction algorithms indicate this variant is likely to affect gene or protein function. Given the available evidence, this variant is classified as Likely Pathogenic.

Baylor Genetics
Classification: Pathogenic for Bifunctional peroxisomal enzyme deficiency. Last evaluated: 2024-03-26. Review status: criteria provided, single submitter. Criteria: ACMG Guidelines, 2015. Collection method: clinical testing. Allele origin: unknown.

CeGaT Center for Human Genetics Tuebingen
Classification: Pathogenic. Last evaluated: 2020-11-01. Review status: criteria provided, single submitter. Criteria: CeGaT Center For Human Genetics Tuebingen Variant Classification Criteria Version 2. Collection method: clinical testing. Allele origin: germline. Affected: yes. Observed: 3 variant alleles.

OMIM
Classification: Pathogenic for PERRAULT SYNDROME 1. Last evaluated: 2012-11-22. Review status: no assertion criteria provided. Collection method: literature only. Allele origin: germline. Not counted in ClinVar's aggregate classification.

Literature cited by the submitters: PubMed 16385454 (cited by Myriad Genetics, Inc. and Labcorp Genetics (formerly Invitae), Labcorp); PubMed 23181892 (cited by 4 submitters); PubMed 34719423 (cited by 3 submitters); PubMed 37486637 (cited by Myriad Genetics, Inc. and Natera, Inc.).

NM_000414.4(HSD17B4):c.101C>T (p.Ala34Val)

Gene: HSD17B4 (hydroxysteroid 17-beta dehydrogenase 4; plus strand). Cytogenetic location: 5q23.1.
Variant type: single nucleotide variant.
Coding change: c.101C>T on transcript NM_000414.4 (MANE Select); coding-DNA position 101, C replaced by T.
Protein change: p.Ala34Val; replaces alanine 34 with valine.
Molecular consequence: missense variant. On other transcripts: synonymous variant (1), 5 prime UTR variant (2), intron variant (1).
Genome position (GRCh38, 1-based): chr5:119,456,357, C>T. VCF-style: chr5-119456357-C-T. GRCh37 (hg19) VCF-style: chr5-118792052-C-T.
Other names: c.111C>T, p.Ser37= (NM_001199291.3); c.-37C>T (NM_001292027.2); c.-311C>T (NM_001292028.2); c.58+3724C>T (NM_001199292.2); short protein forms A34V.
Identifiers: ClinVar variation 137616 (VCV000137616.48), dbSNP rs587777442, ClinGen allele CA163180.